The following is an entry in ClinVar:

ClinVar aggregate classification (germline): Benign (1 of 4 stars; one submission).

Conditions:
Papillary renal cell carcinoma type 1 (RCCP1). Also called: Renal adenocarcinoma; Renal cell carcinoma 1; Renal cell carcinoma, somatic; RENAL CELL CARCINOMA, PAPILLARY, 1, SOMATIC. Identifiers: Orphanet 47044, MedGen C1336839, OMIM 605074, HP:0011797.

Submission:

Myriad Genetics, Inc.
Classification: Benign for Papillary renal cell carcinoma type 1. Last evaluated: 2024-11-15. Review status: criteria provided, single submitter. Criteria: Myriad Autosomal Dominant, Autosomal Recessive and X-Linked Classification Criteria (2023). Collection method: clinical testing. Allele origin: unknown.
Comment: This variant is considered benign. This variant occurs in the non-coding 3' untranslated region of the gene, and is not expected to impact protein function.

NM_000245.4(MET):c.*9del

Gene: MET (MET proto-oncogene, receptor tyrosine kinase; plus strand). Cytogenetic location: 7q31.2.
Variant type: Deletion.
Coding change: c.*9del on transcript NM_000245.4 (MANE Select); 9 bases downstream of the stop codon, one base deleted (C; older notation c.*9delC).
Molecular consequence: 3 prime UTR variant.
Genome position (GRCh38, 1-based): chr7:116,796,133, C deleted. VCF-style (leftmost placement, unchanged base first): chr7-116796132-AC-A. GRCh37 (hg19) VCF-style: chr7-116436186-AC-A.
Other names: c.*9del (NM_001127500.3, NM_001324402.2).
Identifiers: ClinVar variation 3773065 (VCV003773065.1).